The following is an entry in ClinVar:

ClinVar aggregate classification (germline): Uncertain significance (0 of 4 stars; one submission).

Conditions:
MSL3-related disorder. Also called: MSL3-related condition.

gnomAD v4.1: 1 of 1,205,318 alleles (0.000083%); highest among the groups gnomAD compares: Non-Finnish European, 0.00011%; no homozygotes.

Submission:

PreventionGenetics, part of Exact Sciences
Classification: Uncertain significance for MSL3-related condition. Last evaluated: 2024-07-22. Review status: no assertion criteria provided. Collection method: clinical testing. Allele origin: germline.
Comment: The MSL3 c.1202G>A variant is predicted to result in the amino acid substitution p.Gly401Glu. To our knowledge, this variant has not been reported in the literature or in a large population database, indicating this variant is rare. At this time, the clinical significance of this variant is uncertain due to the absence of conclusive functional and genetic evidence.

NM_078629.4(MSL3):c.1171+31G>A

Gene: MSL3 (MSL complex subunit 3; plus strand). Cytogenetic location: Xp22.2.
Variant type: single nucleotide variant.
Coding change: c.1171+31G>A on transcript NM_078629.4 (MANE Select); 31 bases into the intron after coding-DNA position 1171, G replaced by A.
Molecular consequence: intron variant. On other transcripts: missense variant (1).
Genome position (GRCh38, 1-based): chrX:11,765,760, G>A. VCF-style: chrX-11765760-G-A. GRCh37 (hg19) VCF-style: chrX-11783879-G-A.
Other names: c.1202G>A, p.Gly401Glu (NM_078628.2); c.724+31G>A (NM_001282174.1); c.1135+31G>A (NM_001193270.2); c.673+31G>A (NM_006800.4); short protein forms G401E.
Identifiers: ClinVar variation 3346997 (VCV003346997.1).